The following is an entry in ClinVar:

NM_000481.4(AMT):c.850G>A (p.Val284Met)

Gene: AMT (aminomethyltransferase; minus strand). Cytogenetic location: 3p21.31.
Variant type: single nucleotide variant.
Coding change: c.850G>A on transcript NM_000481.4 (MANE Select); coding-DNA position 850, G replaced by A.
Protein change: p.Val284Met; replaces valine 284 with methionine.
Molecular consequence: missense variant. On other transcripts: non-coding transcript variant (1).
Genome position (GRCh38, 1-based): chr3:49,418,998, C>T on the plus strand (G>A on the coding strand, the complement: AMT is on the minus strand). VCF-style: chr3-49418998-C-T. GRCh37 (hg19) VCF-style: chr3-49456431-C-T.
Other names: c.718G>A, p.Val240Met (NM_001164710.2); c.682G>A, p.Val228Met (NM_001164711.2); c.850G>A, p.Val284Met (NM_001164712.2); short protein forms V228M, V240M, V284M.
Identifiers: ClinVar variation 1461185 (VCV001461185.8), dbSNP rs2107931384, ClinGen allele CA352789713.

ClinVar aggregate classification (germline): Uncertain significance (1 of 4 stars; one submission).

Conditions:
Glycine encephalopathy. Also called: Non-ketotic hyperglycinemia; Nonketotic hyperglycinemia. Identifiers: Orphanet 407, MedGen C0751748, MONDO:0011612, HP:0008288.

Submission:

Labcorp Genetics (formerly Invitae), Labcorp
Classification: Uncertain significance for Glycine encephalopathy. Last evaluated: 2022-07-12. Review status: criteria provided, single submitter. Criteria: Invitae Variant Classification Sherloc (09022015). Collection method: clinical testing. Allele origin: germline.
Comment: This sequence change replaces valine, which is neutral and non-polar, with methionine, which is neutral and non-polar, at codon 284 of the AMT protein (p.Val284Met). This variant is not present in population databases (gnomAD no frequency). This variant has not been reported in the literature in individuals affected with AMT-related conditions. ClinVar contains an entry for this variant (Variation ID: 1461185). Algorithms developed to predict the effect of missense changes on protein structure and function are either unavailable or do not agree on the potential impact of this missense change (SIFT: "Deleterious"; PolyPhen-2: "Probably Damaging"; Align-GVGD: "Class C0"). In summary, the available evidence is currently insufficient to determine the role of this variant in disease. Therefore, it has been classified as a Variant of Uncertain Significance.